The following is an entry in ClinVar:

NM_053025.4(MYLK):c.5678G>A (p.Cys1893Tyr)

Genes: MYLK-AS1 (MYLK antisense RNA 1; plus strand), MYLK (myosin light chain kinase; minus strand). Cytogenetic location: 3q21.1.
Variant type: single nucleotide variant.
Coding change: c.5678G>A on transcript NM_053025.4 (MANE Select); coding-DNA position 5678, G replaced by A.
Protein change: p.Cys1893Tyr; replaces cysteine 1893 with tyrosine.
Molecular consequence: missense variant.
Genome position (GRCh38, 1-based): chr3:123,614,172, C>T on the plus strand (G>A on the coding strand, the complement: MYLK is on the minus strand). VCF-style: chr3-123614172-C-T. GRCh37 (hg19) VCF-style: chr3-123333019-C-T.
Other names: c.5150G>A, p.Cys1717Tyr (NM_001321309.2); c.395G>A, p.Cys132Tyr (NM_001438035.1, NM_053031.4); c.5471G>A, p.Cys1824Tyr (NM_053026.4); c.5525G>A, p.Cys1842Tyr (NM_053027.4); c.5318G>A, p.Cys1773Tyr (NM_053028.4); c.398G>A, p.Cys133Tyr (NM_053032.4); short protein forms C133Y, C1717Y, C1824Y, C1893Y, C132Y, C1773Y, C1842Y.
Identifiers: ClinVar variation 4767419 (VCV004767419.1).
Genomic context (GRCh38, chr3:123,614,172, plus strand): 5'-TCTTCCTCTTCCCCTTCCCCTTCACCTTCCTCCATCGTTTCCACAATGAGCTCTGCTGTG[C>T]AGGTGGCTTCTCCAAGACTGTTGACAGCCTTGCAGGTGTACTTGGCATCGTCATCCCCGC-3'
Protein context (NP_444253.3, residues 1883-1903): KAVNSLGEAT[Cys1893Tyr]TAELIVETME

ClinVar aggregate classification (germline): Uncertain significance (1 of 4 stars; one submission).

Conditions:
Aortic aneurysm, familial thoracic 7 (AAT7). Also called: AORTIC DISSECTION, FAMILIAL, WITH OR WITHOUT AORTIC ANEURYSM. Identifiers: MedGen C3151077, MONDO:0013418, OMIM 613780.

Submission:

Labcorp Genetics (formerly Invitae), Labcorp
Classification: Uncertain significance for Aortic aneurysm, familial thoracic 7. Last evaluated: 2025-10-17. Review status: criteria provided, single submitter. Criteria: Invitae Variant Classification Sherloc (09022015). Collection method: clinical testing. Allele origin: germline.
Comment: This sequence change replaces cysteine, which is neutral and slightly polar, with tyrosine, which is neutral and polar, at codon 1893 of the MYLK protein (p.Cys1893Tyr). This variant is not present in population databases (gnomAD no frequency). This variant has not been reported in the literature in individuals affected with MYLK-related conditions. Invitae Evidence Modeling of protein sequence and biophysical properties (such as structural, functional, and spatial information, amino acid conservation, physicochemical variation, residue mobility, and thermodynamic stability) indicates that this missense variant is not expected to disrupt MYLK protein function with a negative predictive value of 80%. In summary, the available evidence is currently insufficient to determine the role of this variant in disease. Therefore, it has been classified as a Variant of Uncertain Significance.